The following is an entry in ClinVar:

ClinVar aggregate classification (germline): Pathogenic/Likely pathogenic. Review status: criteria provided, multiple submitters, no conflicts (2 of 4 stars). 9 submissions from 9 submitters: Pathogenic (5); Likely pathogenic (4). Last evaluated 2025-06-01.

Conditions:
Hereditary cancer-predisposing syndrome. Also called: Neoplastic Syndromes, Hereditary; Hereditary Cancer Syndrome; Tumor predisposition; Hereditary neoplastic syndrome. Identifiers: Orphanet 140162, MedGen C0027672, MeSH D009386, MONDO:0015356.
Familial cancer of breast. Also called: Hereditary breast cancer; hereditary breast carcinoma; BREAST CANCER, FAMILIAL. Identifiers: Orphanet 227535, MedGen C0346153, MONDO:0016419, OMIM 114480. Disease mechanism: loss of function.
Malignant tumor of breast. Also called: Malignant breast neoplasm; Cancer breast. Identifiers: MedGen C0006142, MONDO:0007254. Disease mechanism: loss of function.

Submissions (9):

CeGaT Center for Human Genetics Tuebingen
Classification: Pathogenic. Last evaluated: 2025-06-01. Review status: criteria provided, single submitter. Criteria: CeGaT Center For Human Genetics Tuebingen Variant Classification Criteria Version 2. Collection method: clinical testing. Allele origin: germline. Affected: yes. Observed: 2 variant alleles.
Comment: BARD1: PVS1, PM2

Labcorp Genetics (formerly Invitae), Labcorp
Classification: Pathogenic for Familial cancer of breast. Last evaluated: 2024-08-19. Review status: criteria provided, single submitter. Criteria: Invitae Variant Classification Sherloc (09022015). Collection method: clinical testing. Allele origin: germline.
Comment: This sequence change creates a premature translational stop signal (p.Leu625Serfs*7) in the BARD1 gene. It is expected to result in an absent or disrupted protein product. Loss-of-function variants in BARD1 are known to be pathogenic (PMID: 20077502, 21344236). This variant is not present in population databases (gnomAD no frequency). This variant has not been reported in the literature in individuals affected with BARD1-related conditions. ClinVar contains an entry for this variant (Variation ID: 232127). For these reasons, this variant has been classified as Pathogenic.

Myriad Genetics, Inc.
Classification: Pathogenic for Familial cancer of breast. Last evaluated: 2023-05-24. Review status: criteria provided, single submitter. Criteria: Myriad Autosomal Dominant, Autosomal Recessive and X-Linked Classification Criteria (2023). Collection method: clinical testing. Allele origin: unknown.
Comment: This variant is considered pathogenic. This variant creates a frameshift predicted to result in premature protein truncation.

Baylor Genetics
Classification: Likely pathogenic for Familial cancer of breast. Last evaluated: 2023-02-20. Review status: criteria provided, single submitter. Criteria: ACMG Guidelines, 2015. Collection method: clinical testing. Allele origin: unknown.

Ambry Genetics
Classification: Pathogenic for Hereditary cancer-predisposing syndrome. Last evaluated: 2022-07-12. Review status: criteria provided, single submitter. Criteria: Ambry Variant Classification Scheme 2023. Collection method: clinical testing. Allele origin: germline.
Comment: The c.1872delT pathogenic mutation, located in coding exon 9 of the BARD1 gene, results from a deletion of one nucleotide at nucleotide position 1872, causing a translational frameshift with a predicted alternate stop codon (p.L625SFS*7). This variant is considered to be rare based on population cohorts in the Genome Aggregation Database (gnomAD). This alteration is expected to result in loss of function by premature protein truncation or nonsense-mediated mRNA decay. As such, this alteration is interpreted as a disease-causing mutation.

Fulgent Genetics
Classification: Likely pathogenic for Familial cancer of breast. Last evaluated: 2021-09-09. Review status: criteria provided, single submitter. Criteria: ACMG Guidelines, 2015. Collection method: clinical testing. Allele origin: unknown.

Sema4
Classification: Likely pathogenic for Hereditary cancer-predisposing syndrome. Last evaluated: 2021-09-01. Review status: criteria provided, single submitter. Criteria: Sema4 Curation Guidelines. Collection method: curation. Allele origin: germline.
Comment: To the best of our knowledge, the BARD1 c.1872delT (p.L625SfsX7) variant has not been reported in individuals with BARD1-related disease. This variant causes a frameshift at amino acid 625 that results in premature termination 7 amino acids downstream. This variant is predicted to cause loss of normal protein function either through protein truncation or nonsense-mediated mRNA decay. Loss-of-function variants in BARD1 are known to be pathogenic (PMID: 20077502, 21344236). This variant is not reported in the population database Genome Aggregation Database (PMID: 32461654). This variant has been reported in ClinVar (Variation ID: 232127). Based on the current evidence available, this variant is interpreted as likely pathogenic.

Women's Health and Genetics/Laboratory Corporation of America, LabCorp
Classification: Likely pathogenic for Malignant tumor of breast. Last evaluated: 2021-03-08. Review status: criteria provided, single submitter. Criteria: LabCorp Variant Classification Summary - May 2015. Collection method: clinical testing. Allele origin: germline.
Comment: Variant summary: BARD1 c.1872delT (p.Leu625SerfsX7) results in a premature termination codon, predicted to cause a truncation of the encoded protein or absence of the protein due to nonsense mediated decay, which are commonly known mechanisms for disease. Truncations downstream of this position have been classified as pathogenic by our laboratory. The variant was absent in 251228 control chromosomes (gnomAD). To our knowledge, no occurrence of c.1872delT in individuals affected with Breast Cancer and no experimental evidence demonstrating its impact on protein function have been reported. Four clinical diagnostic laboratories have submitted clinical-significance assessments for this variant to ClinVar after 2014 without evidence for independent evaluation. All laboratories classified the variant as pathogenic. Based on the evidence outlined above, the variant was classified as likely pathogenic.

GeneDx
Classification: Pathogenic. Last evaluated: 2016-07-26. Review status: criteria provided, single submitter. Criteria: GeneDx Variant Classification (06012015). Collection method: clinical testing. Allele origin: germline. Affected: yes.
Comment: This deletion of one nucleotide in BARD1 is denoted c.1872delT at the cDNA level and p.Leu625SerfsX7 (L625SfsX7) at the protein level. The normal sequence, with the base that is deleted in braces, is GGAT[T]CTCA. The deletion causes a frameshift, which changes a Leucine to a Serine at codon 625, and creates a premature stop codon at position 7 of the new reading frame. Although this variant has not, to our knowledge, been reported in the literature, it is predicted to cause loss of normal protein function through either protein truncation or nonsense-mediated mRNA decay. We consider this variant to be pathogenic.

Literature cited by the submitters: PubMed 20077502 (cited by Labcorp Genetics (formerly Invitae), Labcorp and Sema4); PubMed 21344236 (cited by Labcorp Genetics (formerly Invitae), Labcorp and Sema4); PubMed 29292755 (cited by Women's Health and Genetics/Laboratory Corporation of America, LabCorp); PubMed 31371347 (cited by Women's Health and Genetics/Laboratory Corporation of America, LabCorp).

NM_000465.4(BARD1):c.1872del (p.Leu625fs)

Gene: BARD1 (BRCA1 associated RING domain 1; minus strand). Cytogenetic location: 2q35.
Variant type: Deletion.
Coding change: c.1872del on transcript NM_000465.4 (MANE Select); coding-DNA position 1872, one base deleted (T; older notation c.1872delT).
Protein change: p.Leu625fs; shifts the reading frame from leucine 625.
Molecular consequence: frameshift variant. On other transcripts: non-coding transcript variant (3), intron variant (1).
Genome position (GRCh38, 1-based): chr2:214,745,098, A deleted on the plus strand (T on the coding strand, the reverse complement: BARD1 is on the minus strand); the first of 2 consecutive A bases (chr2:214,745,098-214,745,099); deleting either gives the same sequence. VCF-style (leftmost placement, unchanged base first): chr2-214745097-GA-G. GRCh37 (hg19) VCF-style: chr2-215609821-GA-G.
Other names: c.1872del (NM_000465.3); c.1815del, p.Leu606fs (NM_001282543.2); c.519del, p.Leu174fs (NM_001282545.2); c.462del, p.Leu155fs (NM_001282548.2); c.365-14590del (NM_001282549.2); short protein forms L625fs, L155fs, L174fs, L606fs.
Identifiers: ClinVar variation 232127 (VCV000232127.60), dbSNP rs876659572, ClinGen allele CA10577782.